The following is an entry in ClinVar:

ClinVar aggregate classification (germline): Pathogenic/Likely pathogenic. Review status: criteria provided, multiple submitters, no conflicts (2 of 4 stars). 4 submissions from 4 submitters: Pathogenic (3); Likely pathogenic (1). Last evaluated 2023-12-29.

Conditions:
Breast-ovarian cancer, familial, susceptibility to, 2 (BROVCA2). Also called: BRCA2 Hereditary Breast and Ovarian Cancer. Identifiers: Orphanet 145, MedGen C2675520, MONDO:0012933, OMIM 612555. Disease mechanism: loss of function.
Familial cancer of breast. Also called: BREAST CANCER, FAMILIAL; Hereditary breast cancer; hereditary breast carcinoma. Identifiers: Orphanet 227535, MedGen C0346153, MONDO:0016419, OMIM 114480. Disease mechanism: loss of function.
Hereditary cancer-predisposing syndrome. Also called: Tumor predisposition; Neoplastic Syndromes, Hereditary; Hereditary Cancer Syndrome; Hereditary neoplastic syndrome. Identifiers: Orphanet 140162, MedGen C0027672, MeSH D009386, MONDO:0015356.
Hereditary breast ovarian cancer syndrome. Also called: Breast and ovarian cancer; Hereditary breast and/or ovarian cancer syndrome; Hereditary breast and ovarian cancer; BRCA1- and BRCA2-Associated Hereditary Breast and Ovarian Cancer; Hereditary breast and ovarian cancer syndrome; Hereditary breast and ovarian cancer syndrome (HBOC). Identifiers: Orphanet 145, MedGen C0677776, MeSH D061325, MONDO:0003582. Disease mechanism: loss of function.

Submissions (4):

Women's Health and Genetics/Laboratory Corporation of America, LabCorp
Classification: Pathogenic for Hereditary breast ovarian cancer syndrome. Last evaluated: 2023-12-29. Review status: criteria provided, single submitter. Criteria: LabCorp Variant Classification Summary - May 2015. Collection method: clinical testing. Allele origin: germline.
Comment: Variant summary: BRCA2 c.1921delT (p.Ser641LeufsX3) results in a premature termination codon, predicted to cause a truncation of the encoded protein or absence of the protein due to nonsense mediated decay, which are commonly known mechanisms for disease. The variant was absent in 240458 control chromosomes (gnomAD v2.1). To our knowledge, no occurrence of c.1921delT in individuals affected with Hereditary Breast And Ovarian Cancer Syndrome and no experimental evidence demonstrating its impact on protein function have been reported. Two submitters have cited clinical-significance assessments for this variant to ClinVar after 2014. All submitters classified the variant as pathogenic. Based on the evidence outlined above, the variant was classified as pathogenic.

Myriad Genetics, Inc.
Classification: Pathogenic for Breast-ovarian cancer, familial, susceptibility to, 2. Last evaluated: 2023-10-11. Review status: criteria provided, single submitter. Criteria: Myriad Autosomal Dominant, Autosomal Recessive and X-Linked Classification Criteria (2023). Collection method: clinical testing. Allele origin: unknown.
Comment: This variant is considered pathogenic. This variant creates a frameshift predicted to result in premature protein truncation.

Baylor Genetics
Classification: Likely pathogenic for Familial cancer of breast. Last evaluated: 2022-08-05. Review status: criteria provided, single submitter. Criteria: ACMG Guidelines, 2015. Collection method: clinical testing. Allele origin: unknown.

Ambry Genetics
Classification: Pathogenic for Hereditary cancer-predisposing syndrome. Last evaluated: 2022-07-14. Review status: criteria provided, single submitter. Criteria: Ambry Variant Classification Scheme 2023. Collection method: clinical testing. Allele origin: germline.
Comment: The c.1921delT pathogenic mutation, located in coding exon 10 of the BRCA2 gene, results from a deletion of one nucleotide at nucleotide position 1921, causing a translational frameshift with a predicted alternate stop codon (p.S641Lfs*3). This variant is considered to be rare based on population cohorts in the Genome Aggregation Database (gnomAD). This alteration is expected to result in loss of function by premature protein truncation or nonsense-mediated mRNA decay. As such, this alteration is interpreted as a disease-causing mutation.

NM_000059.4(BRCA2):c.1921del (p.Ser641fs)

Gene: BRCA2 (BRCA2 DNA repair associated; plus strand). Cytogenetic location: 13q13.1.
Variant type: Deletion.
Coding change: c.1921del on transcript NM_000059.4 (MANE Select); coding-DNA position 1921, one base deleted (T; older notation c.1921delT).
Protein change: p.Ser641fs; shifts the reading frame from serine 641.
Molecular consequence: frameshift variant.
Genome position (GRCh38, 1-based): chr13:32,336,276, T deleted; the last of 2 consecutive T bases (chr13:32,336,275-32,336,276); deleting either gives the same sequence. VCF-style (leftmost placement, unchanged base first): chr13-32336274-AT-A. GRCh37 (hg19) VCF-style: chr13-32910411-AT-A.
Other names: c.1921delT, p.Ser641Leufs (NM_001406719.1, NM_001406720.1); c.1921delT (NM_000059.4); short protein forms S641fs.
Identifiers: ClinVar variation 1782689 (VCV001782689.5), dbSNP rs2548522770, ClinGen allele CA2580087173.